The following is an entry in ClinVar:

ClinVar aggregate classification (germline): Likely pathogenic (1 of 4 stars; one submission).

Conditions:
Dilated cardiomyopathy 1G (CMD1G). Identifiers: Orphanet 154, MedGen C1858763, MONDO:0011400, OMIM 604145.
Autosomal recessive limb-girdle muscular dystrophy type 2J (LGMDR10). Also called: Limb-girdle muscular dystrophy, type 2J; MUSCULAR DYSTROPHY, LIMB-GIRDLE, AUTOSOMAL RECESSIVE 10. Identifiers: Orphanet 140922, MedGen C1837342, MONDO:0012127, OMIM 608807.

Submission:

Labcorp Genetics (formerly Invitae), Labcorp
Classification: Likely pathogenic for Dilated cardiomyopathy 1G; Autosomal recessive limb-girdle muscular dystrophy type 2J. Last evaluated: 2025-02-19. Review status: criteria provided, single submitter. Criteria: Invitae Variant Classification Sherloc (09022015). Collection method: clinical testing. Allele origin: germline.
Comment: This sequence change creates a premature translational stop signal (p.Trp19231*) in the TTN gene. While this is not anticipated to result in nonsense mediated decay, it is expected to create a truncated TTN protein. This variant is not present in population databases (gnomAD no frequency). This variant has not been reported in the literature in individuals affected with TTN-related conditions. This variant is located in the A band of TTN (PMID: 25589632). Truncating variants in this region are significantly overrepresented in patients affected with dilated cardiomyopathy (PMID: 25589632). Truncating variants in this region have also been reported in individuals affected with autosomal recessive centronuclear myopathy (PMID: 23975875). In summary, the currently available evidence indicates that the variant is pathogenic, but additional data are needed to prove that conclusively. Therefore, this variant has been classified as Likely Pathogenic.

Literature cited by the submitters: PubMed 25589632; PubMed 23975875.

NM_001267550.2(TTN):c.57693G>A (p.Trp19231Ter)

Genes: TTN-AS1 (TTN antisense RNA 1; plus strand), TTN (titin; minus strand). Cytogenetic location: 2q31.2.
Variant type: single nucleotide variant.
Coding change: c.57693G>A on transcript NM_001267550.2 (MANE Select); coding-DNA position 57693, G replaced by A.
Protein change: p.Trp19231Ter; replaces tryptophan 19231 with a stop codon.
Molecular consequence: nonsense.
Genome position (GRCh38, 1-based): chr2:178,595,661, C>T on the plus strand (G>A on the coding strand, the complement: TTN is on the minus strand). VCF-style: chr2-178595661-C-T. GRCh37 (hg19) VCF-style: chr2-179460388-C-T.
Other names: c.52770G>A, p.Trp17590Ter (NM_001256850.1); c.30498G>A, p.Trp10166Ter (NM_003319.4); c.49989G>A, p.Trp16663Ter (NM_133378.4); c.30873G>A, p.Trp10291Ter (NM_133432.3); c.31074G>A, p.Trp10358Ter (NM_133437.4); short protein forms W10166*, W10291*, W10358*, W16663*, W17590*, W19231*.
Identifiers: ClinVar variation 3759488 (VCV003759488.2).